The following is an entry in ClinVar:

NM_020922.5(WNK3):c.3778C>A (p.Leu1260Ile)

Gene: WNK3 (WNK lysine deficient protein kinase 3; minus strand). Cytogenetic location: Xp11.22.
Variant type: single nucleotide variant.
Coding change: c.3778C>A on transcript NM_020922.5 (MANE Select); coding-DNA position 3778, C replaced by A.
Protein change: p.Leu1260Ile; replaces leucine 1260 with isoleucine.
Molecular consequence: missense variant. On other transcripts: intron variant (2).
Genome position (GRCh38, 1-based): chrX:54,238,973, G>T on the plus strand (C>A on the coding strand, the complement: WNK3 is on the minus strand). VCF-style: chrX-54238973-G-T. GRCh37 (hg19) VCF-style: chrX-54265406-G-T.
Other names: c.3742+36C>A (NM_001395166.1, NM_001002838.4); short protein forms L1260I.
Identifiers: ClinVar variation 2662846 (VCV002662846.2), dbSNP rs1557150908, ClinGen allele CA413346050.
Genomic context (GRCh38, chrX:54,238,973, plus strand): 5'-GCCTGTATGCCCAGCTTTTTAATTTGCGAGTCCAGGATTTCTTGCTAATAGGATTTTTGA[G>T]ACTAGGACAAGTAAAGCTTAGGCCAAAATATCCACCTCCTGTCTGCAGATGAATGGCTCC-3'
Protein context (NP_065973.2, residues 1250-1270): YFGLSFTCPS[Leu1260Ile]KNPISKKSWT

ClinVar aggregate classification (germline): Uncertain significance (1 of 4 stars; one submission).

Submission:

GeneDx
Classification: Uncertain significance. Last evaluated: 2025-12-10. Review status: criteria provided, single submitter. Criteria: GeneDx Variant Classification Process June 2021. Collection method: clinical testing. Allele origin: germline.
Comment: Has not been previously published as pathogenic or benign to our knowledge; Not observed at significant frequency in large population cohorts (gnomAD); In silico analysis suggests that this missense variant does not alter protein structure/function